The following is an entry in ClinVar:

NM_000022.4(ADA):c.975+2T>G

Gene: ADA (adenosine deaminase; minus strand). Cytogenetic location: 20q13.12.
Variant type: single nucleotide variant.
Coding change: c.975+2T>G on transcript NM_000022.4 (MANE Select); the canonical splice donor site of the intron after coding-DNA position 975, T replaced by G.
Molecular consequence: splice donor variant.
Genome position (GRCh38, 1-based): chr20:44,621,016, A>C on the plus strand (T>G on the coding strand, the complement: ADA is on the minus strand). VCF-style: chr20-44621016-A-C. GRCh37 (hg19) VCF-style: chr20-43249657-A-C.
Other names: c.975+2T>G (NM_000022.3); c.570+2T>G (NM_001322050.2); c.903+2T>G (NM_001322051.2).
Identifiers: ClinVar variation 2780445 (VCV002780445.5), dbSNP rs2516161339, ClinGen allele CA409118692.
Genomic context (GRCh38, chr20:44,621,016, plus strand): 5'-GGACCTGTAGATACCATACTCCCAAACCCGAGTCAAGGCCAGTATGGCTCACACCCACTC[A>C]CCAGCCTTTTAAACTCCTCTTCAGTAAAGCCCATGTCCCGTTTGGTCATCTGGTAATCAG-3'

ClinVar aggregate classification (germline): Pathogenic. Review status: criteria provided, multiple submitters, no conflicts (2 of 4 stars). 3 submissions from 3 submitters: Pathogenic (3). Last evaluated 2025-08-05.

Conditions:
Severe combined immunodeficiency, autosomal recessive, T cell-negative, B cell-negative, NK cell-negative, due to adenosine deaminase deficiency. Also called: SCID DUE TO ADA DEFICIENCY; SCID DUE TO ADA DEFICIENCY, EARLY-ONSET; ADA-SCID; ADA deficiency; Adenosine deaminase deficient severe combined immunodeficiency; Severe combined immunodeficiency due to ADA deficiency. Identifiers: Orphanet 277, MedGen C0392607, MONDO:0007064, OMIM 102700.

Submissions (3):

GeneDx
Classification: Pathogenic. Last evaluated: 2025-08-05. Review status: criteria provided, single submitter. Criteria: GeneDx Variant Classification Process June 2021. Collection method: clinical testing. Allele origin: germline. Affected: yes.
Comment: Canonical splice site variant predicted to result in a null allele in a gene for which loss of function is a known mechanism of disease; Not observed at significant frequency in large population cohorts (gnomAD); This variant is associated with the following publications: (PMID: 33628209)

Natera, Inc.
Classification: Pathogenic for Severe combined immunodeficiency due to ADA deficiency. Last evaluated: 2025-01-16. Review status: criteria provided, single submitter. Criteria: Natera Variant Classification Schema (03/2026). Collection method: clinical testing. Allele origin: germline.
Comment: The c.975+2T>G variant in ADA is a canonical splice donor site variant predicted to affect pre-mRNA splicing, which may result in an abnormal transcript and altered protein product. This variant is expected to result in nonsense mediated decay, truncation, or a dysfunctional protein product. This variant is rare in the general population with a frequency below the threshold expected for the associated phenotype(s). This variant has been observed in one or more individuals affected with the associated recessive disease, as either homozygous or compound heterozygous with a second variant (PMID: 33628209). Another variant at this same site results in an alteration predicted to cause a similar molecular effect has been observed in individual(s) with the associated phenotype. Given the available evidence, this variant is classified as Pathogenic.

Labcorp Genetics (formerly Invitae), Labcorp
Classification: Pathogenic for Severe combined immunodeficiency, autosomal recessive, T cell-negative, B cell-negative, NK cell-negative, due to adenosine deaminase deficiency. Last evaluated: 2023-07-17. Review status: criteria provided, single submitter. Criteria: Invitae Variant Classification Sherloc (09022015). Collection method: clinical testing. Allele origin: germline.
Comment: For these reasons, this variant has been classified as Pathogenic. Algorithms developed to predict the effect of sequence changes on RNA splicing suggest that this variant may disrupt the consensus splice site. Disruption of this splice site has been observed in individual(s) with severe combined immunodeficiency (PMID: 29744787, 33628209). This variant is not present in population databases (gnomAD no frequency). This sequence change affects a donor splice site in intron 10 of the ADA gene. It is expected to disrupt RNA splicing. Variants that disrupt the donor or acceptor splice site typically lead to a loss of protein function (PMID: 16199547), and loss-of-function variants in ADA are known to be pathogenic (PMID: 26255240, 26376800).

Literature cited by the submitters: PubMed 33628209 (cited by Natera, Inc. and Labcorp Genetics (formerly Invitae), Labcorp); PubMed 29744787 (cited by Labcorp Genetics (formerly Invitae), Labcorp); PubMed 16199547 (cited by Labcorp Genetics (formerly Invitae), Labcorp); PubMed 26255240 (cited by Labcorp Genetics (formerly Invitae), Labcorp); PubMed 26376800 (cited by Labcorp Genetics (formerly Invitae), Labcorp).